The following is an entry in ClinVar:

NM_207361.6(FREM2):c.7429C>T (p.Arg2477Trp)

Gene: FREM2 (FRAS1 related extracellular matrix 2; plus strand). Cytogenetic location: 13q13.3.
Variant type: single nucleotide variant.
Coding change: c.7429C>T on transcript NM_207361.6 (MANE Select); coding-DNA position 7429, C replaced by T.
Protein change: p.Arg2477Trp; replaces arginine 2477 with tryptophan.
Molecular consequence: missense variant.
Genome position (GRCh38, 1-based): chr13:38,859,500, C>T. VCF-style: chr13-38859500-C-T. GRCh37 (hg19) VCF-style: chr13-39433637-C-T.
Other names: c.7429C>T (NM_207361.5); short protein forms R2477W.
Identifiers: ClinVar variation 882779 (VCV000882779.26), dbSNP rs143571375, ClinGen allele CA6955855.

ClinVar aggregate classification (germline): Conflicting classifications of pathogenicity. Review status: criteria provided, conflicting classifications (1 of 4 stars). 5 submissions from 5 submitters: Uncertain significance (3); Likely benign (1). 1 of the submissions does not count toward it. Last evaluated 2026-07-21.

Conditions:
FREM2-related disorder. Also called: FREM2-related condition.
Fraser syndrome 2 (FRASRS2). Identifiers: MedGen C4540036, MONDO:0054738, OMIM 617666.

Allele frequency attached by ClinVar (database versions not stated): 1000 Genomes Project 30x 0.00031; 1000 Genomes Project 0.00040; TOPMed 0.00075; ESP Exome Variant Server 0.00077; ExAC 0.00086; gnomAD exomes 0.00087 and 0.00096; gnomAD 0.00105 and 0.00115.
gnomAD v4.1: 1,549 of 1,614,002 alleles (0.096%); highest among the groups gnomAD compares: Non-Finnish European, 0.12%; 4 homozygotes.

Submissions (5):

GeneDx
Classification: Uncertain significance. Last evaluated: 2026-07-21. Review status: criteria provided, single submitter. Criteria: GeneDx Variant Classification Process June 2021. Collection method: clinical testing. Allele origin: germline.
Comment: Has not been previously published as pathogenic or benign to our knowledge; In silico analysis supports that this missense variant has a deleterious effect on protein structure/function

CeGaT Center for Human Genetics Tuebingen
Classification: Likely benign. Last evaluated: 2025-01-01. Review status: criteria provided, single submitter. Criteria: CeGaT Center For Human Genetics Tuebingen Variant Classification Criteria Version 2. Collection method: clinical testing. Allele origin: germline. Affected: yes. Observed: 2 variant alleles.
Comment: FREM2: BS2

Labcorp Genetics (formerly Invitae), Labcorp
Classification: Uncertain significance. Last evaluated: 2022-11-01. Review status: criteria provided, single submitter. Criteria: Invitae Variant Classification Sherloc (09022015). Collection method: clinical testing. Allele origin: germline.
Comment: This sequence change replaces arginine, which is basic and polar, with tryptophan, which is neutral and slightly polar, at codon 2477 of the FREM2 protein (p.Arg2477Trp). This variant is present in population databases (rs143571375, gnomAD 0.2%), and has an allele count higher than expected for a pathogenic variant. This variant has not been reported in the literature in individuals affected with FREM2-related conditions. ClinVar contains an entry for this variant (Variation ID: 882779). Advanced modeling of protein sequence and biophysical properties (such as structural, functional, and spatial information, amino acid conservation, physicochemical variation, residue mobility, and thermodynamic stability) performed at Invitae indicates that this missense variant is expected to disrupt FREM2 protein function. In summary, the available evidence is currently insufficient to determine the role of this variant in disease. Therefore, it has been classified as a Variant of Uncertain Significance.

Illumina Laboratory Services, Illumina
Classification: Uncertain significance for Fraser syndrome 2. Last evaluated: 2018-01-12. Review status: criteria provided, single submitter. Criteria: ICSL Variant Classification Criteria 13 December 2019. Collection method: clinical testing. Allele origin: germline.

PreventionGenetics, part of Exact Sciences
Classification: Likely benign for FREM2-related condition. Last evaluated: 2022-03-16. Review status: no assertion criteria provided. Collection method: clinical testing. Allele origin: germline. Not counted in ClinVar's aggregate classification.
Comment: This variant is classified as likely benign based on ACMG/AMP sequence variant interpretation guidelines (Richards et al. 2015 PMID: 25741868, with internal and published modifications).